The following is an entry in ClinVar:

ClinVar aggregate classification (germline): Likely pathogenic (1 of 4 stars; one submission).

Conditions:
Hyperammonemia, type III (NAGSD). Also called: Hyperammonemia due to N-acetylglutamate synthase deficiency. Identifiers: Orphanet 927, MedGen C0268543, MONDO:0009377, OMIM 237310.

Submission:

Natera, Inc.
Classification: Likely pathogenic for Hyperammonemia type III. Last evaluated: 2024-12-26. Review status: criteria provided, single submitter. Criteria: Natera Variant Classification Schema (03/2026). Collection method: clinical testing. Allele origin: germline.
Comment: The c.1096+2T>C variant in NAGS is a canonical splice donor site variant predicted to affect pre-mRNA splicing, which may result in an abnormal transcript and altered protein product. This variant is expected to result in nonsense mediated decay, truncation, or a dysfunctional protein product. This variant is rare in the general population with a frequency below the threshold expected for the associated phenotype(s). Given the available evidence, this variant is classified as Likely Pathogenic.

NM_153006.3(NAGS):c.1096+2T>C

Gene: NAGS (N-acetylglutamate synthase; plus strand). Cytogenetic location: 17q21.31.
Variant type: single nucleotide variant.
Coding change: c.1096+2T>C on transcript NM_153006.3 (MANE Select); the canonical splice donor site of the intron after coding-DNA position 1096, T replaced by C.
Molecular consequence: splice donor variant.
Genome position (GRCh38, 1-based): chr17:44,006,711, T>C. VCF-style: chr17-44006711-T-C. GRCh37 (hg19) VCF-style: chr17-42084079-T-C.
Identifiers: ClinVar variation 4816898 (VCV004816898.1).
Genomic context (GRCh38, chr17:44,006,711, plus strand): 5'-CTCCTCGGCCGTCATCACCGCCGCTAGCACGCTGCTCACTGAGCTCTTTAGCAACAAGGG[T>C]GAGGGCGGTGGGCGGGCCGGGGACTGGGTCCCGGGAGTGAGTACTGGCCGGGGCTGGGTG-3'